The following is an entry in ClinVar:

ClinVar aggregate classification (germline): Uncertain significance (1 of 4 stars; one submission).

Allele frequency attached by ClinVar (database versions not stated): TOPMed 0.00002; ExAC 0.00001; gnomAD exomes 0.00001.
gnomAD v4.1: 7 of 1,613,712 alleles (0.00043%); highest among the groups gnomAD compares: Admixed American, 0.0033%; no homozygotes.

Submission:

Labcorp Genetics (formerly Invitae), Labcorp
Classification: Uncertain significance. Last evaluated: 2025-04-10. Review status: criteria provided, single submitter. Criteria: Invitae Variant Classification Sherloc (09022015). Collection method: clinical testing. Allele origin: germline.
Comment: This sequence change falls in intron 28 of the A2ML1 gene. It does not directly change the encoded amino acid sequence of the A2ML1 protein. It affects a nucleotide within the consensus splice site. This variant is present in population databases (rs761136645, gnomAD 0.006%). This variant has not been reported in the literature in individuals affected with A2ML1-related conditions. ClinVar contains an entry for this variant (Variation ID: 2733464). Variants that disrupt the consensus splice site are a relatively common cause of aberrant splicing (PMID: 17576681, 9536098). Algorithms developed to predict the effect of sequence changes on RNA splicing suggest that this variant is not likely to affect RNA splicing. In summary, the available evidence is currently insufficient to determine the role of this variant in disease. Therefore, it has been classified as a Variant of Uncertain Significance.

Literature cited by the submitters: PubMed 17576681; PubMed 9536098.

NM_144670.6(A2ML1):c.3502+5G>A

Gene: A2ML1 (alpha-2-macroglobulin like 1; plus strand). Cytogenetic location: 12p13.31.
Variant type: single nucleotide variant.
Coding change: c.3502+5G>A on transcript NM_144670.6 (MANE Select); 5 bases into the intron after coding-DNA position 3502, G replaced by A.
Molecular consequence: intron variant.
Genome position (GRCh38, 1-based): chr12:8,861,302, G>A. VCF-style: chr12-8861302-G-A. GRCh37 (hg19) VCF-style: chr12-9013898-G-A.
Other names: c.2029+5G>A (NM_001282424.3).
Identifiers: ClinVar variation 2733464 (VCV002733464.3), dbSNP rs761136645, ClinGen allele CA6436391.